The following is an entry in ClinVar:

NM_024675.4(PALB2):c.952del (p.Ser318fs)

Gene: PALB2 (partner and localizer of BRCA2; minus strand). Cytogenetic location: 16p12.2.
Variant type: Deletion.
Coding change: c.952del on transcript NM_024675.4 (MANE Select); coding-DNA position 952, one base deleted (A; older notation c.952delA).
Protein change: p.Ser318fs; shifts the reading frame from serine 318.
Molecular consequence: frameshift variant.
Genome position (GRCh38, 1-based): chr16:23,635,594, T deleted on the plus strand (A on the coding strand, the reverse complement: PALB2 is on the minus strand); the first of 2 consecutive T bases (chr16:23,635,594-23,635,595); deleting either gives the same sequence. VCF-style (leftmost placement, unchanged base first): chr16-23635593-CT-C. GRCh37 (hg19) VCF-style: chr16-23646914-CT-C.
Other names: c.891delA, p.Ser298Valfs (NM_001407296.1); c.951delA, p.Ser318Valfs (NM_001407297.1, NM_001407298.1, NM_001407299.1 and 3 more transcripts); c.66delA, p.Ser23Valfs (NM_001407304.1, NM_001407305.1, NM_001407306.1 and 5 more transcripts); c.952delA (NM_024675.3); short protein forms S318fs.
Identifiers: ClinVar variation 1767283 (VCV001767283.3), dbSNP rs2506494447, ClinGen allele CA2580091328.

ClinVar aggregate classification (germline): Pathogenic. Review status: criteria provided, multiple submitters, no conflicts (2 of 4 stars). 2 submissions from 2 submitters: Pathogenic (2). Last evaluated 2023-09-07.

Conditions:
Hereditary cancer-predisposing syndrome. Also called: Hereditary Cancer Syndrome; Hereditary neoplastic syndrome; Neoplastic Syndromes, Hereditary; Tumor predisposition. Identifiers: Orphanet 140162, MedGen C0027672, MeSH D009386, MONDO:0015356.
Familial cancer of breast. Also called: BREAST CANCER, FAMILIAL; hereditary breast carcinoma; Hereditary breast cancer. Identifiers: Orphanet 227535, MedGen C0346153, MONDO:0016419, OMIM 114480. Disease mechanism: loss of function.

Submissions (2):

Myriad Genetics, Inc.
Classification: Pathogenic for Familial cancer of breast. Last evaluated: 2023-09-07. Review status: criteria provided, single submitter. Criteria: Myriad Autosomal Dominant, Autosomal Recessive and X-Linked Classification Criteria (2023). Collection method: clinical testing. Allele origin: unknown.
Comment: This variant is considered pathogenic. This variant creates a frameshift predicted to result in premature protein truncation.

Ambry Genetics
Classification: Pathogenic for Hereditary cancer-predisposing syndrome. Last evaluated: 2022-07-29. Review status: criteria provided, single submitter. Criteria: Ambry Variant Classification Scheme 2023. Collection method: clinical testing. Allele origin: germline.
Comment: The c.952delA pathogenic mutation, located in coding exon 4 of the PALB2 gene, results from a deletion of one nucleotide at nucleotide position 952, causing a translational frameshift with a predicted alternate stop codon (p.S318Vfs*4). This variant is considered to be rare based on population cohorts in the Genome Aggregation Database (gnomAD). This alteration is expected to result in loss of function by premature protein truncation or nonsense-mediated mRNA decay. As such, this alteration is interpreted as a disease-causing mutation.